The following is an entry in ClinVar:

NM_000261.2(MYOC):c.1504T>C (p.Ser502Pro)

Gene: MYOC (myocilin; minus strand). Cytogenetic location: 1q24.3.
Variant type: single nucleotide variant.
Coding change: c.1504T>C on transcript NM_000261.2 (MANE Select); coding-DNA position 1504, T replaced by C.
Protein change: p.Ser502Pro; replaces serine 502 with proline.
Molecular consequence: missense variant.
Genome position (GRCh38, 1-based): chr1:171,635,936, A>G on the plus strand (T>C on the coding strand, the complement: MYOC is on the minus strand). VCF-style: chr1-171635936-A-G. GRCh37 (hg19) VCF-style: chr1-171605076-A-G.
Other names: NM_000261.2:c.1504T>C; short protein forms S502P.
Identifiers: ClinVar variation 1686794 (VCV001686794.4), dbSNP rs2102944436, ClinGen allele CA343722794.

ClinVar aggregate classification (germline): Likely pathogenic (3 of 4 stars; one submission).

Conditions:
Open-angle glaucoma. Identifiers: MedGen C0017612, MONDO:0005338, HP:0012108.

Submission:

ClinGen Glaucoma Variant Curation Expert Panel
Classification: Likely pathogenic for Open-angle glaucoma. Last evaluated: 2026-02-18. Review status: reviewed by expert panel. Criteria: ClinGen Glaucoma ACMG Specifications V2.0.0 Approved. Collection method: curation. Allele origin: germline. Inheritance: Autosomal dominant inheritance.
Comment: The c.1504T>C variant in MYOC is a missense variant predicted to cause substitution of Serine by Proline at amino acid 502 (p.Ser502Pro). This variant was not found in any genetic ancestry group of gnomAD (v4.1.0), meeting the ≤ 0.0001 threshold set for PM2_Supporting in a genetic ancestry group of at least 10,000 alleles. The REVEL score = 0.657, which was within the 0.644-0.772 range for PP3, predicting a damaging effect on MYOC function. The Ser502Pro protein had increased instability and reduced secretion levels compared to wild type myocilin protein in these studies (PMIDs: 16466712, 21612213, 23129764). The assays met the OddsPath threshold for PS3_Moderate (> 4.3), indicating that this variant did impact protein function. 6 segregations in 1 family, with juvenile open angle glaucoma (JOAG), have been reported (PMID: 9863594), which fulfilled PP1_Moderate (5-6 meioses). Only 1 proband with JOAG had been reported (PMID: 9863594), not meeting the ≥ 2 probands threshold required to meet PS4_Supporting. In summary, this variant met the criteria to receive a score of 6 and to be classified as likely pathogenic (likely pathogenic classification range 6 to 9, adapted from PMID: 32720330) for juvenile open angle glaucoma based on the ACMG/AMP criteria met, as specified by the ClinGen Glaucoma VCEP (v2.0.0, 5 Dec 2024): PS3_Moderate, PP1_Moderate, PP3, PM2_Supporting.

Literature cited by the submitters: PubMed 21612213; PubMed 23129764; PubMed 25524706.